The following is an entry in ClinVar:

Single allele

Gene: DMD (dystrophin; minus strand). Cytogenetic location: Xp21.1.
Variant type: Deletion.
Identifiers: ClinVar variation 1256407 (VCV001256407.4).

ClinVar aggregate classification (germline): Pathogenic (1 of 4 stars; one submission).

Submission:

Athena Diagnostics
Classification: Pathogenic. Last evaluated: 2025-10-29. Review status: criteria provided, single submitter. Criteria: Athena Diagnostics Criteria. Collection method: clinical testing. Allele origin: unknown.
Comment: This variant is expected to result in the loss of a functional protein. Similar deletions of exons 49-52 have not been reported in large, multi-ethnic general populations (Genome Aggregation Database (gnomAD), Cambridge, MA (URL)). Multiple unrelated individuals with Duchenne muscular dystrophy (DMD) have been reported with similar deletions of exons 49-52.

Literature cited by the submitters: PubMed 18683213; PubMed 10392746; PubMed 11388892; PubMed 28116794; PubMed 28610567; PubMed 25972034; PubMed 31705731; PubMed 27206868; PubMed 19084397; PubMed 31139960; PubMed 17259292; PubMed 31081998; PubMed 26968818; PubMed 17854090; PubMed 31727011; PubMed 27750387.